The following is an entry in ClinVar:

ClinVar aggregate classification (germline): Likely benign. Review status: criteria provided, multiple submitters, no conflicts (2 of 4 stars). 2 submissions from 2 submitters: Likely benign (2). Last evaluated 2024-12-15.

Conditions:
PCNT-related disorder. Also called: PCNT-related condition.

Allele frequency attached by ClinVar (database versions not stated): TOPMed 0.00002.
gnomAD v4.1: 19 of 1,614,084 alleles (0.0012%); highest among the groups gnomAD compares: African/African-American, 0.0027%; no homozygotes.

Submissions (2):

PreventionGenetics, part of Exact Sciences
Classification: Likely benign for PCNT-related condition. Last evaluated: 2024-12-15. Review status: criteria provided, single submitter. Criteria: ACMG Guidelines, 2015. Collection method: clinical testing. Allele origin: germline.
Comment: This variant is classified as likely benign based on ACMG/AMP sequence variant interpretation guidelines (Richards et al. 2015 PMID: 25741868, with internal and published modifications).

Labcorp Genetics (formerly Invitae), Labcorp
Classification: Likely benign. Last evaluated: 2023-09-30. Review status: criteria provided, single submitter. Criteria: Invitae Variant Classification Sherloc (09022015). Collection method: clinical testing. Allele origin: germline.

NM_006031.6(PCNT):c.114G>A (p.Thr38=)

Genes: PCNT (pericentrin; plus strand), LOC128092249 (uncharacterized LOC128092249; plus strand). Cytogenetic location: 21q22.3.
Variant type: single nucleotide variant.
Coding change: c.114G>A on transcript NM_006031.6 (MANE Select); coding-DNA position 114, G replaced by A.
Protein change: p.Thr38=; no amino-acid change (threonine 38 retained).
Molecular consequence: synonymous variant. On other transcripts: missense variant (1), 5 prime UTR variant (1).
Genome position (GRCh38, 1-based): chr21:46,326,436, G>A. VCF-style: chr21-46326436-G-A. GRCh37 (hg19) VCF-style: chr21-47746350-G-A.
Other names: c.149G>A, p.Arg50Gln (NM_001414902.1); c.-241G>A (NM_001315529.2); c.114G>A (NM_006031.5); short protein forms R50Q.
Identifiers: ClinVar variation 2958761 (VCV002958761.4), dbSNP rs1035125039, ClinGen allele CA321998451.
Genomic context (GRCh38, chr21:46,326,436, plus strand): 5'-GCTTGCTCACTTCCGACAGAGAAAAACAAAAGGTGACAGTTCGCATTCGGAGAAAAAGAC[G>A]GCGAAGAGGAAGGGCTCGGCTGTCGATGCGTCTGTCCAGGAGGAGAGTCCGGTAACCAAG-3'
Protein context (NP_006022.3, residues 28-48): KGDSSHSEKK[Thr38=]AKRKGSAVDA